The following is an entry in ClinVar:

NM_004260.4(RECQL4):c.3611T>A (p.Leu1204Gln)

Gene: RECQL4 (RecQ like helicase 4; minus strand). Cytogenetic location: 8q24.3.
Variant type: single nucleotide variant.
Coding change: c.3611T>A on transcript NM_004260.4 (MANE Select); coding-DNA position 3611, T replaced by A.
Protein change: p.Leu1204Gln; replaces leucine 1204 with glutamine.
Molecular consequence: missense variant.
Genome position (GRCh38, 1-based): chr8:144,511,447, A>T on the plus strand (T>A on the coding strand, the complement: RECQL4 is on the minus strand). VCF-style: chr8-144511447-A-T. GRCh37 (hg19) VCF-style: chr8-145736830-A-T.
Other names: short protein forms L1204Q.
Identifiers: ClinVar variation 1444609 (VCV001444609.6), dbSNP rs2130647931, ClinGen allele CA372665604.

ClinVar aggregate classification (germline): Uncertain significance (1 of 4 stars; one submission).

Conditions:
Baller-Gerold syndrome (BGS). Also called: CRANIOSYNOSTOSIS WITH RADIAL DEFECTS. Identifiers: Orphanet 1225, MedGen C0265308, MONDO:0009039, OMIM 218600.

Allele frequency attached by ClinVar (database versions not stated): gnomAD exomes below 0.00001.
gnomAD v4.1: 1 of 1,612,476 alleles (0.000062%); highest among the groups gnomAD compares: Non-Finnish European, 0.000085%; no homozygotes.

Submission:

Labcorp Genetics (formerly Invitae), Labcorp
Classification: Uncertain significance for Baller-Gerold syndrome. Last evaluated: 2021-06-16. Review status: criteria provided, single submitter. Criteria: Invitae Variant Classification Sherloc (09022015). Collection method: clinical testing. Allele origin: germline.
Comment: This sequence change replaces leucine with glutamine at codon 1204 of the RECQL4 protein (p.Leu1204Gln). The leucine residue is highly conserved and there is a moderate physicochemical difference between leucine and glutamine. This variant is not present in population databases (ExAC no frequency). This variant has not been reported in the literature in individuals with RECQL4-related conditions. Experimental studies and prediction algorithms are not available or were not evaluated, and the functional significance of this variant is currently unknown. In summary, the available evidence is currently insufficient to determine the role of this variant in disease. Therefore, it has been classified as a Variant of Uncertain Significance.